The following is an entry in ClinVar:

ClinVar aggregate classification (germline): Uncertain significance (1 of 4 stars; one submission).

Submission:

Labcorp Genetics (formerly Invitae), Labcorp
Classification: Uncertain significance. Last evaluated: 2022-03-28. Review status: criteria provided, single submitter. Criteria: Invitae Variant Classification Sherloc (09022015). Collection method: clinical testing. Allele origin: germline.
Comment: In summary, the available evidence is currently insufficient to determine the role of this variant in disease. Therefore, it has been classified as a Variant of Uncertain Significance. Algorithms developed to predict the effect of missense changes on protein structure and function (SIFT, PolyPhen-2, Align-GVGD) all suggest that this variant is likely to be tolerated. This variant has not been reported in the literature in individuals affected with ATR-related conditions. This variant is not present in population databases (gnomAD no frequency). This sequence change replaces alanine, which is neutral and non-polar, with valine, which is neutral and non-polar, at codon 614 of the ATR protein (p.Ala614Val).

NM_001184.4(ATR):c.1841C>T (p.Ala614Val)

Gene: ATR (ATR checkpoint kinase; minus strand). Cytogenetic location: 3q23.
Variant type: single nucleotide variant.
Coding change: c.1841C>T on transcript NM_001184.4 (MANE Select); coding-DNA position 1841, C replaced by T.
Protein change: p.Ala614Val; replaces alanine 614 with valine.
Molecular consequence: missense variant.
Genome position (GRCh38, 1-based): chr3:142,558,668, G>A on the plus strand (C>T on the coding strand, the complement: ATR is on the minus strand). VCF-style: chr3-142558668-G-A. GRCh37 (hg19) VCF-style: chr3-142277510-G-A.
Other names: c.1649C>T, p.Ala550Val (NM_001354579.2); short protein forms A614V, A550V.
Identifiers: ClinVar variation 2119081 (VCV002119081.4), dbSNP rs2034770831, ClinGen allele CA354820898.
Genomic context (GRCh38, chr3:142,558,668, plus strand): 5'-TCTTGTGAGCACTTACAATAGCTATCTGAAATCCTACAGCTTAATGTTAGAAGATTAGCG[G>A]CAAATGTGGTCAACTTTAAACAGCCATCATCAGAATGGGAATAAATCCATGGAAGTGAGA-3'
Protein context (NP_001175.2, residues 604-624): DDGCLKLTTF[Ala614Val]ANLLTLSCRI